The following is an entry in ClinVar:

NM_001563.4(IMPG1):c.2089G>C (p.Ala697Pro)

Gene: IMPG1 (interphotoreceptor matrix proteoglycan 1; minus strand). Cytogenetic location: 6q14.1.
Variant type: single nucleotide variant.
Coding change: c.2089G>C on transcript NM_001563.4 (MANE Select); coding-DNA position 2089, G replaced by C.
Protein change: p.Ala697Pro; replaces alanine 697 with proline.
Molecular consequence: missense variant.
Genome position (GRCh38, 1-based): chr6:75,931,107, C>G on the plus strand (G>C on the coding strand, the complement: IMPG1 is on the minus strand). VCF-style: chr6-75931107-C-G. GRCh37 (hg19) VCF-style: chr6-76640824-C-G.
Other names: c.1855G>C, p.Ala619Pro (NM_001282368.2); short protein forms A697P, A619P.
Identifiers: ClinVar variation 2111624 (VCV002111624.4), dbSNP rs1781661850, ClinGen allele CA364770001.

ClinVar aggregate classification (germline): Uncertain significance (1 of 4 stars; one submission).

Submission:

Labcorp Genetics (formerly Invitae), Labcorp
Classification: Uncertain significance. Last evaluated: 2023-10-30. Review status: criteria provided, single submitter. Criteria: Invitae Variant Classification Sherloc (09022015). Collection method: clinical testing. Allele origin: germline.
Comment: This sequence change replaces alanine, which is neutral and non-polar, with proline, which is neutral and non-polar, at codon 697 of the IMPG1 protein (p.Ala697Pro). This variant is not present in population databases (gnomAD no frequency). This variant has not been reported in the literature in individuals affected with IMPG1-related conditions. ClinVar contains an entry for this variant (Variation ID: 2111624). An algorithm developed to predict the effect of missense changes on protein structure and function (PolyPhen-2) suggests that this variant is likely to be disruptive. In summary, the available evidence is currently insufficient to determine the role of this variant in disease. Therefore, it has been classified as a Variant of Uncertain Significance.